The following is an entry in ClinVar:

NM_152906.7(TANGO2):c.16_18del (p.Phe6del)

Gene: TANGO2 (transport and golgi organization 2 homolog; plus strand). Cytogenetic location: 22q11.21.
Variant type: Deletion.
Coding change: c.16_18del on transcript NM_152906.7 (MANE Select); coding-DNA positions 16 to 18, 3 bases deleted (TTT; older notation c.16_18delTTT).
Protein change: p.Phe6del; deletes phenylalanine 6.
Molecular consequence: inframe deletion. On other transcripts: 5 prime UTR variant (20), non-coding transcript variant (5).
Genome position (GRCh38, 1-based): chr22:20,036,814-20,036,816, TTT deleted. VCF-style (leftmost placement, unchanged base first): chr22-20036813-CTTT-C. GRCh37 (hg19) VCF-style: chr22-20024336-CTTT-C.
Other names: c.-164_-162del (NM_001322171.2, NM_001322174.2, NM_001322175.2 and 5 more transcripts); c.-404_-402del (NM_001322172.2, NM_001322173.2, NM_001322148.2 and 1 more transcripts); c.16_18del, p.Phe6del (NM_001283106.3, NM_001283116.3, NM_001283148.3 and 10 more transcripts); c.-102_-100del (NM_001283129.3, NM_001283215.3, NM_001322141.2 and 5 more transcripts); short protein forms F6del.
Identifiers: ClinVar variation 2867239 (VCV002867239.3), dbSNP rs2518304999, ClinGen allele CA2655347129.
Genomic context (GRCh38, chr22:20,036,813, plus strand): 5'-CCCGCAGACCTCGCGACCTGTGTCAGCAGAGCCGCCCTGCACCACCATGTGCATCATCTT[CTTT>C]AAGTTTGATCCTCGCCCTGTTTCCAAAAACGCGTACAGGTAACCCCCTCGCTCTGCATCT-3'

ClinVar aggregate classification (germline): Uncertain significance (1 of 4 stars; one submission).

Allele frequency attached by ClinVar (database versions not stated): gnomAD exomes below 0.00001.

Submission:

Labcorp Genetics (formerly Invitae), Labcorp
Classification: Uncertain significance. Last evaluated: 2023-09-29. Review status: criteria provided, single submitter. Criteria: Invitae Variant Classification Sherloc (09022015). Collection method: clinical testing. Allele origin: germline.
Comment: In summary, the available evidence is currently insufficient to determine the role of this variant in disease. Therefore, it has been classified as a Variant of Uncertain Significance. Experimental studies and prediction algorithms are not available or were not evaluated, and the functional significance of this variant is currently unknown. This variant has been observed in individual(s) with clinical features of TANGO2-related conditions (PMID: 31339582). This variant is not present in population databases (gnomAD no frequency). This variant, c.16_18del, results in the deletion of 1 amino acid(s) of the TANGO2 protein (p.Phe6del), but otherwise preserves the integrity of the reading frame.

Literature cited by the submitters: PubMed 31339582.